The following is an entry in ClinVar:

NM_000237.3(LPL):c.*1783A>T

Gene: LPL (lipoprotein lipase; plus strand). Cytogenetic location: 8p21.3.
Variant type: single nucleotide variant.
Coding change: c.*1783A>T on transcript NM_000237.3 (MANE Select); 1783 bases downstream of the stop codon, A replaced by T.
Molecular consequence: 3 prime UTR variant.
Genome position (GRCh38, 1-based): chr8:19,967,093, A>T. VCF-style: chr8-19967093-A-T. GRCh37 (hg19) VCF-style: chr8-19824604-A-T.
Identifiers: ClinVar variation 362449 (VCV000362449.6), dbSNP rs17091815, ClinGen allele CA10630604.

ClinVar aggregate classification (germline): Benign. Review status: criteria provided, multiple submitters, no conflicts (2 of 4 stars). 2 submissions from 2 submitters: Benign (2). Last evaluated 2018-01-13.

Conditions:
Hyperlipoproteinemia, type I. Also called: Lipoprotein Lipase Deficiency; Lipase D deficiency; Familial hyperlipo-proteinemia type 1; Hyperlipemia essential familial; Familial Lipoprotein Lipase Deficiency; Hyperlipoproteinemia type 1. Identifiers: Orphanet 309015, Orphanet 444490, MedGen C0023817, MONDO:0009387, OMIM 238600. Disease mechanism: loss of function.

Allele frequency attached by ClinVar (database versions not stated): TOPMed 0.02223; 1000 Genomes Project 30x 0.02608; gnomAD 0.01980 and 0.02107; 1000 Genomes Project 0.02296.

Submissions (2):

Illumina Laboratory Services, Illumina
Classification: Benign for Hyperlipoproteinemia, type I. Last evaluated: 2018-01-13. Review status: criteria provided, single submitter. Criteria: ICSL Variant Classification Criteria 13 December 2019. Collection method: clinical testing. Allele origin: germline.
Comment: This variant was observed in the ICSL laboratory as part of a predisposition screen in an ostensibly healthy population. It had not been previously curated by ICSL or reported in the Human Gene Mutation Database (HGMD: prior to June 1st, 2018), and was therefore a candidate for classification through an automated scoring system. Utilizing variant allele frequency, disease prevalence and penetrance estimates, and inheritance mode, an automated score was calculated to assess if this variant is too frequent to cause the disease. Based on the score and internal cut-off values, a variant classified as benign is not then subjected to further curation. The score for this variant resulted in a classification of benign for this disease.

Breakthrough Genomics
Classification: Benign. Review status: criteria provided, single submitter. Criteria: ACMG Guidelines, 2015. Collection method: not provided. Allele origin: germline. Inheritance: Autosomal recessive inheritance. Affected: yes.